The following is an entry in ClinVar:

ClinVar aggregate classification (germline): Conflicting classifications of pathogenicity. Review status: criteria provided, conflicting classifications (1 of 4 stars). 2 submissions from 2 submitters: Uncertain significance (1); Likely benign (1). Last evaluated 2026-04-17.

Conditions:
Neurofibromatosis, type 1 (NF1). Also called: NEUROFIBROMATOSIS, TYPE I, SOMATIC; Peripheral type neurofibromatosis; VON RECKLINGHAUSEN DISEASE; Neurofibromatosis, type I. Identifiers: Orphanet 636, MedGen C0027831, MONDO:0018975, OMIM 162200. Disease mechanism: loss of function.
Hereditary cancer-predisposing syndrome. Also called: Tumor predisposition; Neoplastic Syndromes, Hereditary; Hereditary Cancer Syndrome; Hereditary neoplastic syndrome. Identifiers: Orphanet 140162, MedGen C0027672, MeSH D009386, MONDO:0015356.
Cardiovascular phenotype. Identifiers: MedGen CN230736.

Allele frequency attached by ClinVar (database versions not stated): TOPMed below 0.00001.
gnomAD v4.1: 2 of 1,613,794 alleles (0.00012%); highest among the groups gnomAD compares: Non-Finnish European, 0.00017%; no homozygotes.

Submissions (2):

Ambry Genetics
Classification: Likely benign for Cardiovascular phenotype; Hereditary cancer-predisposing syndrome. Last evaluated: 2026-04-17. Review status: criteria provided, single submitter. Criteria: Ambry Variant Classification Scheme 2023. Collection method: clinical testing. Allele origin: germline.

Labcorp Genetics (formerly Invitae), Labcorp
Classification: Uncertain significance for Neurofibromatosis, type 1. Last evaluated: 2025-01-26. Review status: criteria provided, single submitter. Criteria: Invitae Variant Classification Sherloc (09022015). Collection method: clinical testing. Allele origin: germline.
Comment: This sequence change replaces valine, which is neutral and non-polar, with isoleucine, which is neutral and non-polar, at codon 1120 of the NF1 protein (p.Val1120Ile). This variant is present in population databases (rs200594167, gnomAD 0.0009%). This variant has not been reported in the literature in individuals affected with NF1-related conditions. ClinVar contains an entry for this variant (Variation ID: 1476585). Invitae Evidence Modeling of protein sequence and biophysical properties (such as structural, functional, and spatial information, amino acid conservation, physicochemical variation, residue mobility, and thermodynamic stability) indicates that this missense variant is not expected to disrupt NF1 protein function with a negative predictive value of 95%. In summary, the available evidence is currently insufficient to determine the role of this variant in disease. Therefore, it has been classified as a Variant of Uncertain Significance.

NM_001042492.3(NF1):c.3358G>A (p.Val1120Ile)

Gene: NF1 (neurofibromin 1; plus strand). Cytogenetic location: 17q11.2.
Variant type: single nucleotide variant.
Coding change: c.3358G>A on transcript NM_001042492.3 (MANE Select); coding-DNA position 3358, G replaced by A.
Protein change: p.Val1120Ile; replaces valine 1120 with isoleucine.
Molecular consequence: missense variant.
Genome position (GRCh38, 1-based): chr17:31,232,743, G>A. VCF-style: chr17-31232743-G-A. GRCh37 (hg19) VCF-style: chr17-29559761-G-A.
Other names: c.3358G>A, p.Val1120Ile (NM_000267.4); short protein forms V1120I.
Identifiers: ClinVar variation 1476585 (VCV001476585.11), dbSNP rs200594167, ClinGen allele CA8486156.